The following is an entry in ClinVar:

NC_000002.11:g.(?_182423283)_(182423445_?)dup

Gene: CERKL (ceramide kinase like; minus strand). Cytogenetic location: 2q31.3.
Variant type: Duplication.
Identifiers: ClinVar variation 2423492 (VCV002423492.3).

ClinVar aggregate classification (germline): Likely pathogenic (1 of 4 stars; one submission).

Submission:

Labcorp Genetics (formerly Invitae), Labcorp
Classification: Likely pathogenic. Last evaluated: 2022-05-18. Review status: criteria provided, single submitter. Criteria: Invitae Variant Classification Sherloc (09022015). Collection method: clinical testing. Allele origin: germline.
Comment: This variant results in a copy number gain of the genomic region encompassing exon(s) 6 of the CERKL gene. While the exact position of this variant cannot be determined from the data, sub-genic copy number gains are generally in tandem (PMID: 25640679). This variant is predicted to be out-of-frame, and may result in an absent or disrupted protein product. Loss-of-function variants in CERKL are known to be pathogenic (PMID: 14681825, 23591405, 24043777). This variant has not been reported in the literature in individuals affected with CERKL-related conditions. In summary, the currently available evidence indicates that the variant is pathogenic, but additional data are needed to prove that conclusively. Therefore, this variant has been classified as Likely Pathogenic.

Literature cited by the submitters: PubMed 25640679; PubMed 14681825; PubMed 23591405; PubMed 24043777.